The following is an entry in ClinVar:

ClinVar aggregate classification (germline): Likely pathogenic. Review status: reviewed by expert panel (3 of 4 stars). 2 submissions from 2 submitters: Likely pathogenic (1). 1 of the submissions does not count toward it. Last evaluated 2026-02-24.

Conditions:
Generalized epilepsy with febrile seizures plus. Also called: Generalized Epilepsy with Febrile Seizures Plus (GEFS+). Identifiers: Orphanet 36387, MedGen C3502809, MONDO:0018214.
Early-infantile DEE. Also called: Early infantile epileptic encephalopathy; Ohtahara syndrome; Early infantile epileptic encephalopathy with suppression bursts. Identifiers: Orphanet 1934, MedGen C0393706, MONDO:0800491.

Allele frequency attached by ClinVar (database versions not stated): gnomAD exomes below 0.00001.
gnomAD v4.1: 1 of 1,613,712 alleles (0.000062%); highest among the groups gnomAD compares: Non-Finnish European, 0.000085%; no homozygotes.

Submissions (2):

ClinGen Epilepsy Sodium Channel Variant Curation Expert Panel, Clingen
Classification: Likely pathogenic for Generalized epilepsy with febrile seizures plus. Last evaluated: 2026-02-24. Review status: reviewed by expert panel. Criteria: ClinGen EpilepsySCN ACMG Specifications SCN1A V2.0.0. Collection method: curation. Allele origin: germline. Inheritance: Autosomal dominant inheritance.
Comment: The c.4910T>C variant in SCN1A is a missense variant predicted to cause substitution of Valine by Alanine at amino acid 1637 (p.Val1637Ala). This variant was seen in 1/1179806 alleles in the European (non-Finnish) population v4.1.0, meeting this criterion (PM2_Supporting) and resides within a region of SCN1A that is defined as a mutational hotspot and/or critical functional domain by the ClinGen Epilepsy Sodium Channel VCEP (PM1). The computational predictor REVEL gives a score of 0.954, which is above the threshold of 0.773, evidence that correlates with impact to SCN1A function (PP3_moderate). Novel missense change at an amino acid residue where a different missense change determined to be likely pathogenic, SCN1A c.4910T>A (p.Val1637Glu), has been seen before (PM5_supporting). As we cannot rule out that the patient has an undisclosed neurological clinical phenotype, PS4 is not met. In summary, this variant meets the criteria to be classified as likely pathogenic for autosomal dominant generalized epilepsy with febrile seizures plus based on the ACMG/AMP criteria applied, as specified by the ClinGen Epilepsy Sodium Channel VCEP: PM1, PM5_supporting, PP3_moderate, PM2_supporting. (Version 2.0.0; approved 02/24/2026).

Labcorp Genetics (formerly Invitae), Labcorp
Classification: Uncertain significance for Early-infantile DEE. Last evaluated: 2020-01-10. Review status: criteria provided, single submitter. Criteria: Invitae Variant Classification Sherloc (09022015). Collection method: clinical testing. Allele origin: germline. Not counted in ClinVar's aggregate classification.
Comment: In summary, the available evidence is currently insufficient to determine the role of this variant in disease. Therefore, it has been classified as a Variant of Uncertain Significance. Algorithms developed to predict the effect of missense changes on protein structure and function (SIFT, PolyPhen-2, Align-GVGD) all suggest that this variant is likely to be disruptive, but these predictions have not been confirmed by published functional studies and their clinical significance is uncertain. This variant has not been reported in the literature in individuals with SCN1A-related conditions. This variant is not present in population databases (ExAC no frequency). This sequence change replaces valine with alanine at codon 1637 of the SCN1A protein (p.Val1637Ala). The valine residue is highly conserved and there is a small physicochemical difference between valine and alanine.

NM_001165963.4(SCN1A):c.4910T>C (p.Val1637Ala)

Genes: SCN1A (sodium voltage-gated channel alpha subunit 1; minus strand), LOC102724058 (uncharacterized LOC102724058; plus strand). Cytogenetic location: 2q24.3.
Variant type: single nucleotide variant.
Coding change: c.4910T>C on transcript NM_001165963.4 (MANE Select); coding-DNA position 4910, T replaced by C.
Protein change: p.Val1637Ala; replaces valine 1637 with alanine.
Molecular consequence: missense variant. On other transcripts: non-coding transcript variant (1).
Genome position (GRCh38, 1-based): chr2:165,992,365, A>G on the plus strand (T>C on the coding strand, the complement: SCN1A is on the minus strand). VCF-style: chr2-165992365-A-G. GRCh37 (hg19) VCF-style: chr2-166848875-A-G.
Other names: NM_001165963.4(SCN1A):c.4910T>C; p.Val1637Ala; c.4826T>C, p.Val1609Ala (NM_001165964.3, NM_001353957.2, NM_001353958.2); c.4910T>C, p.Val1637Ala (NM_001202435.3, NM_001353948.2); c.4877T>C, p.Val1626Ala (NM_001353949.2, NM_001353950.2, NM_001353951.2 and 2 more transcripts); c.4874T>C, p.Val1625Ala (NM_001353954.2, NM_001353955.2); c.4823T>C, p.Val1608Ala (NM_001353960.2); c.2468T>C, p.Val823Ala (NM_001353961.2); short protein forms V1608A, V1609A, V1625A, V1626A, V1637A, V823A.
Identifiers: ClinVar variation 1008671 (VCV001008671.10), dbSNP rs121918810, ClinGen allele CA349070310.